The following is an entry in ClinVar:

ClinVar aggregate classification (germline): Uncertain significance (1 of 4 stars; one submission).

Conditions:
Arrhythmogenic right ventricular dysplasia 8 (ARVD8). Also called: Arrhythmogenic Right Ventricular Dysplasia/Cardiomyopathy 8; ARRHYTHMOGENIC RIGHT VENTRICULAR DYSPLASIA, FAMILIAL, 8; ARRHYTHMOGENIC RIGHT VENTRICULAR CARDIOMYOPATHY 8. Identifiers: MedGen C1843896, MONDO:0011831, OMIM 607450.
Arrhythmogenic cardiomyopathy with wooly hair and keratoderma. Also called: Arrhythmogenic cardiomyopathy with woolly hair and keratoderma; PALMOPLANTAR KERATODERMA WITH LEFT VENTRICULAR CARDIOMYOPATHY AND WOOLLY HAIR; Carvajal syndrome; Dilated cardiomyopathy with woolly hair and keratoderma. Identifiers: Orphanet 65282, MedGen C1854063, MONDO:0011581, OMIM 605676.

gnomAD v4.1: 3 of 1,614,204 alleles (0.00019%); highest among the groups gnomAD compares: Non-Finnish European, 0.00017%; no homozygotes.

Submission:

Labcorp Genetics (formerly Invitae), Labcorp
Classification: Uncertain significance for Arrhythmogenic cardiomyopathy with wooly hair and keratoderma; Arrhythmogenic right ventricular dysplasia 8. Last evaluated: 2025-04-11. Review status: criteria provided, single submitter. Criteria: Invitae Variant Classification Sherloc (09022015). Collection method: clinical testing. Allele origin: germline.
Comment: This sequence change replaces glutamine, which is neutral and polar, with arginine, which is basic and polar, at codon 2128 of the DSP protein (p.Gln2128Arg). This variant is not present in population databases (gnomAD no frequency). This variant has not been reported in the literature in individuals affected with DSP-related conditions. An algorithm developed to predict the effect of missense changes on protein structure and function (PolyPhen-2) suggests that this variant is likely to be disruptive. In summary, the available evidence is currently insufficient to determine the role of this variant in disease. Therefore, it has been classified as a Variant of Uncertain Significance.

NM_004415.4(DSP):c.6383A>G (p.Gln2128Arg)

Gene: DSP (desmoplakin; plus strand). Cytogenetic location: 6p24.3.
Variant type: single nucleotide variant.
Coding change: c.6383A>G on transcript NM_004415.4 (MANE Select); coding-DNA position 6383, A replaced by G.
Protein change: p.Gln2128Arg; replaces glutamine 2128 with arginine.
Molecular consequence: missense variant.
Genome position (GRCh38, 1-based): chr6:7,583,645, A>G. VCF-style: chr6-7583645-A-G. GRCh37 (hg19) VCF-style: chr6-7583878-A-G.
Other names: c.4586A>G, p.Gln1529Arg (NM_001008844.3); c.5054A>G, p.Gln1685Arg (NM_001319034.2); short protein forms Q1529R, Q1685R, Q2128R.
Identifiers: ClinVar variation 4788453 (VCV004788453.1).
Genomic context (GRCh38, chr6:7,583,645, plus strand): 5'-CAGAAGCCATCAAGAAAAATTTGATTGATAGAGAAACCGGAATGCGCCTGCTGGAAGCCC[A>G]GATTGCTTCAGGGGGTGTAGTAGACCCTGTGAACAGTGTCTTTTTGCCAAAAGATGTCGC-3'
Protein context (NP_004406.2, residues 2118-2138): RETGMRLLEA[Gln2128Arg]IASGGVVDPV